The following is an entry in ClinVar:

NM_001042492.3(NF1):c.6427+10A>G

Gene: NF1 (neurofibromin 1; plus strand). Cytogenetic location: 17q11.2.
Variant type: single nucleotide variant.
Coding change: c.6427+10A>G on transcript NM_001042492.3 (MANE Select); 10 bases into the intron after coding-DNA position 6427, A replaced by G.
Molecular consequence: intron variant.
Genome position (GRCh38, 1-based): chr17:31,336,924, A>G. VCF-style: chr17-31336924-A-G. GRCh37 (hg19) VCF-style: chr17-29663942-A-G.
Other names: c.6364+10A>G (NM_000267.4).
Identifiers: ClinVar variation 457792 (VCV000457792.14), dbSNP rs763852229, ClinGen allele CA8487343.

ClinVar aggregate classification (germline): Benign/Likely benign. Review status: criteria provided, multiple submitters, no conflicts (2 of 4 stars). 5 submissions from 5 submitters: Benign (1); Likely benign (4). Last evaluated 2026-05-21.

Conditions:
NF1-related disorder. Also called: NF1-related condition. Identifiers: MedGen CN379171.
Neurofibromatosis, type 1 (NF1). Also called: Peripheral type neurofibromatosis; VON RECKLINGHAUSEN DISEASE; NEUROFIBROMATOSIS, TYPE I, SOMATIC; Neurofibromatosis, type I. Identifiers: Orphanet 636, MedGen C0027831, MONDO:0018975, OMIM 162200. Disease mechanism: loss of function.

Allele frequency attached by ClinVar (database versions not stated): gnomAD 0.00002 and 0.00003; gnomAD exomes 0.00003 and 0.00006; ExAC 0.00004; TOPMed 0.00005.
gnomAD v4.1: 40 of 1,606,788 alleles (0.0025%); highest among the groups gnomAD compares: East Asian, 0.053%; no homozygotes.

Submissions (5):

Myriad Genetics, Inc.
Classification: Benign for Neurofibromatosis, type 1. Last evaluated: 2026-05-21. Review status: criteria provided, single submitter. Criteria: Myriad Autosomal Dominant, Autosomal Recessive and X-Linked Classification Criteria (2023). Collection method: clinical testing. Allele origin: unknown.
Comment: This variant is considered benign. This variant is intronic and is not expected to impact mRNA splicing. This variant has been observed at a population frequency that is significantly greater than expected given the associated disease prevalence and penetrance.

PreventionGenetics, part of Exact Sciences
Classification: Likely benign for NF1-related condition. Last evaluated: 2026-03-31. Review status: criteria provided, single submitter. Criteria: ACMG Guidelines, 2015. Collection method: clinical testing. Allele origin: germline.
Comment: This variant is classified as likely benign based on ACMG/AMP sequence variant interpretation guidelines (Richards et al. 2015 PMID: 25741868, with internal and published modifications).

Labcorp Genetics (formerly Invitae), Labcorp
Classification: Likely benign for Neurofibromatosis, type 1. Last evaluated: 2025-12-09. Review status: criteria provided, single submitter. Criteria: Invitae Variant Classification Sherloc (09022015). Collection method: clinical testing. Allele origin: germline.

Women's Health and Genetics/Laboratory Corporation of America, LabCorp
Classification: Likely benign. Last evaluated: 2024-09-19. Review status: criteria provided, single submitter. Criteria: LabCorp Variant Classification Summary - May 2015. Collection method: clinical testing. Allele origin: germline.

Blueprint Genetics
Classification: Likely benign. Last evaluated: 2024-06-07. Review status: criteria provided, single submitter. Criteria: ACMG Guidelines, 2015. Collection method: clinical testing. Allele origin: germline.